The following is an entry in ClinVar:

ClinVar aggregate classification (germline): Pathogenic. Review status: criteria provided, single submitter (1 of 4 stars). 2 submissions from 2 submitters: Pathogenic (1). 1 of the submissions does not count toward it. Last evaluated 2022-10-04.

Conditions:
3-methylglutaconic aciduria type 8. Also called: 3-methylglutaconic aciduria, type VIII. Identifiers: Orphanet 505208, MedGen C4310650, MONDO:0044723, OMIM 617248.

Allele frequency attached by ClinVar (database versions not stated): gnomAD exomes 0.00001 and below 0.00001; TOPMed below 0.00001; ExAC 0.00001; gnomAD 0.00001.
gnomAD v4.1: 14 of 1,613,412 alleles (0.00087%); highest among the groups gnomAD compares: South Asian, 0.0033%; no homozygotes.

Submissions (2):

Labcorp Genetics (formerly Invitae), Labcorp
Classification: Pathogenic. Last evaluated: 2022-10-04. Review status: criteria provided, single submitter. Criteria: Invitae Variant Classification Sherloc (09022015). Collection method: clinical testing. Allele origin: germline.
Comment: This sequence change replaces arginine, which is basic and polar, with glutamine, which is neutral and polar, at codon 404 of the HTRA2 protein (p.Arg404Gln). This variant also falls at the last nucleotide of exon 7, which is part of the consensus splice site for this exon. This variant is present in population databases (rs767006508, gnomAD 0.0009%). This missense change has been observed in individual(s) with 3-methylglutaconic aciduria (PMID: 27208207). It has also been observed to segregate with disease in related individuals. ClinVar contains an entry for this variant (Variation ID: 372209). Algorithms developed to predict the effect of missense changes on protein structure and function (SIFT, PolyPhen-2, Align-GVGD) all suggest that this variant is likely to be tolerated. Variants that disrupt the consensus splice site are a relatively common cause of aberrant splicing (PMID: 17576681, 9536098). Algorithms developed to predict the effect of sequence changes on RNA splicing suggest that this variant may disrupt the consensus splice site. For these reasons, this variant has been classified as Pathogenic.

OMIM
Classification: Pathogenic for 3-METHYLGLUTACONIC ACIDURIA, TYPE VIII. Last evaluated: 2016-12-17. Review status: no assertion criteria provided. Collection method: literature only. Allele origin: germline. Not counted in ClinVar's aggregate classification.

Literature cited by the submitters: PubMed 27208207 (cited by Labcorp Genetics (formerly Invitae), Labcorp and OMIM); PubMed 17576681 (cited by Labcorp Genetics (formerly Invitae), Labcorp); PubMed 9536098 (cited by Labcorp Genetics (formerly Invitae), Labcorp).

NM_013247.5(HTRA2):c.1211G>A (p.Arg404Gln)

Genes: LOXL3 (lysyl oxidase like 3; minus strand), HTRA2 (HtrA serine peptidase 2; plus strand). Cytogenetic location: 2p13.1.
Variant type: single nucleotide variant.
Coding change: c.1211G>A on transcript NM_013247.5 (MANE Select); coding-DNA position 1211, G replaced by A.
Protein change: p.Arg404Gln; replaces arginine 404 with glutamine.
Molecular consequence: missense variant. On other transcripts: non-coding transcript variant (4), 3 prime UTR variant (3), intron variant (3).
Genome position (GRCh38, 1-based): chr2:74,532,714, G>A. VCF-style: chr2-74532714-G-A. GRCh37 (hg19) VCF-style: chr2-74759841-G-A.
Other names: c.*892C>T (NM_001289164.3, NM_001289165.2, NM_032603.5); c.1146-106G>A (NM_001321727.1); c.1116-106G>A (NM_001321728.1); c.921-106G>A (NM_145074.2); short protein forms R404Q.
Identifiers: ClinVar variation 372209 (VCV000372209.5), dbSNP rs767006508, ClinGen allele CA1728592.